The following is an entry in ClinVar:

ClinVar aggregate classification (germline): Likely benign (1 of 4 stars; one submission).

Allele frequency attached by ClinVar (database versions not stated): gnomAD exomes 0.00002; TOPMed 0.00002; ExAC 0.00001; gnomAD 0.00002; ESP Exome Variant Server 0.00008.
gnomAD v4.1: 20 of 1,608,806 alleles (0.0012%); highest among the groups gnomAD compares: Non-Finnish European, 0.0015%; no homozygotes.

Submission:

GeneDx
Classification: Likely benign. Last evaluated: 2017-01-04. Review status: criteria provided, single submitter. Criteria: GeneDx Variant Classification (06012015). Collection method: clinical testing. Allele origin: germline. Affected: yes.
Comment: This variant is considered likely benign or benign based on one or more of the following criteria: it is a conservative change, it occurs at a poorly conserved position in the protein, it is predicted to be benign by multiple in silico algorithms, and/or has population frequency not consistent with disease.

NM_001002755.2(NFU1):c.-21C>T

Gene: NFU1 (NFU1 iron-sulfur cluster scaffold; minus strand). Cytogenetic location: 2p13.3.
Variant type: single nucleotide variant.
Coding change: c.-21C>T on transcript NM_001002755.2; 21 bases upstream of the start codon, C replaced by T.
Molecular consequence: 5 prime UTR variant (on NM_001002756.2). On other transcripts: intron variant (1).
Genome position (GRCh38, 1-based): chr2:69,437,443, G>A on the plus strand (C>T on the coding strand, the complement: NFU1 is on the minus strand). VCF-style: chr2-69437443-G-A. GRCh37 (hg19) VCF-style: chr2-69664575-G-A.
Other names: c.-398C>T (NM_001002756.2); c.-11+610C>T (NM_001374284.1).
Identifiers: ClinVar variation 392134 (VCV000392134.3), dbSNP rs371955702, ClinGen allele CA1694352.